The following is an entry in ClinVar:

ClinVar aggregate classification (germline): Conflicting classifications of pathogenicity. Review status: criteria provided, conflicting classifications (1 of 4 stars). 5 submissions from 5 submitters: Uncertain significance (2); Likely benign (3). Last evaluated 2025-07-01.

Conditions:
TTN-related disorder. Also called: TTN-related condition; TTN-related disease; TTN-related disorders.

Allele frequency attached by ClinVar (database versions not stated): gnomAD exomes 0.00003; TOPMed 0.00005; ESP Exome Variant Server 0.00008.
gnomAD v4.1: 37 of 1,609,200 alleles (0.0023%); highest among the groups gnomAD compares: Middle Eastern, 0.05%; no homozygotes.

Submissions (5):

PreventionGenetics, part of Exact Sciences
Classification: Uncertain significance for TTN-related condition. Last evaluated: 2025-07-01. Review status: criteria provided, single submitter. Criteria: ACMG Guidelines, 2015. Collection method: clinical testing. Allele origin: germline.
Comment: The TTN c.31841C>A variant is predicted to result in the amino acid substitution p.Ala10614Asp. This variant has been observed in a cohort study of individuals with inherited skeletal muscle diseases (Savarese et al. 2020. PubMed ID: 32039858). This variant is reported in 0.0062% of alleles in individuals of European (Non-Finnish) descent in gnomAD. At this time, the clinical significance of this variant is uncertain due to the absence of conclusive functional and genetic evidence.

Molecular Diagnostic Laboratory for Inherited Cardiovascular Disease, Montreal Heart Institute
Classification: Likely benign. Last evaluated: 2025-04-09. Review status: criteria provided, single submitter. Criteria: ACMG Guidelines, 2015. Collection method: clinical testing. Allele origin: germline. Affected: no.

Blueprint Genetics
Classification: Likely benign. Last evaluated: 2024-08-22. Review status: criteria provided, single submitter. Criteria: ACMG Guidelines, 2015. Collection method: clinical testing. Allele origin: germline.

Revvity Omics, Revvity
Classification: Uncertain significance. Last evaluated: 2024-05-06. Review status: criteria provided, single submitter. Criteria: ACMG Guidelines, 2015. Collection method: clinical testing. Allele origin: germline.

GeneDx
Classification: Likely benign. Last evaluated: 2018-02-26. Review status: criteria provided, single submitter. Criteria: GeneDx Variant Classification (06012015). Collection method: clinical testing. Allele origin: germline. Affected: yes.
Comment: This variant is considered likely benign or benign based on one or more of the following criteria: it is a conservative change, it occurs at a poorly conserved position in the protein, it is predicted to be benign by multiple in silico algorithms, and/or has population frequency not consistent with disease.

NM_001267550.2(TTN):c.31841C>A (p.Ala10614Asp)

Gene: TTN (titin; minus strand). Cytogenetic location: 2q31.2.
Variant type: single nucleotide variant.
Coding change: c.31841C>A on transcript NM_001267550.2 (MANE Select); coding-DNA position 31841, C replaced by A.
Protein change: p.Ala10614Asp; replaces alanine 10614 with aspartic acid.
Molecular consequence: missense variant. On other transcripts: intron variant (3).
Genome position (GRCh38, 1-based): chr2:178,689,818, G>T on the plus strand (C>A on the coding strand, the complement: TTN is on the minus strand). VCF-style: chr2-178689818-G-T. GRCh37 (hg19) VCF-style: chr2-179554545-G-T.
Other names: p.A10297D:GCT>GAT; c.30890C>A, p.Ala10297Asp (NM_001256850.1); c.28109C>A, p.Ala9370Asp (NM_133378.4); c.13283-47501C>A (NM_003319.4); c.13859-47501C>A (NM_133437.4); c.13658-47501C>A (NM_133432.3); short protein forms A10297D, A10614D, A9370D.
Identifiers: ClinVar variation 202565 (VCV000202565.7), dbSNP rs376754004, ClinGen allele CA309605.
Genomic context (GRCh38, chr2:178,689,818, plus strand): 5'-AACATATTTTGTATCAAAGATAAAAGATAGGGCTTTACGTCGAAAGCCACTGTACCTTTA[G>T]CTGGGGGAGCTTCCTTTTTCTTTGCAACAGGAACGGGAATCTTTTCTTCAGGGACAGGTT-3'
Protein context (NP_001254479.2, residues 10604-10624): PVAKKKEAPP[Ala10614Asp]KVPEVQKGVV